The following is an entry in ClinVar:

ClinVar aggregate classification (germline): Benign (1 of 4 stars; one submission).

Conditions:
Bardet-Biedl syndrome 9 (BBS9). Identifiers: Orphanet 110, MedGen C1859567, MONDO:0014437, OMIM 615986.

Allele frequency attached by ClinVar (database versions not stated): gnomAD exomes 0.00096; gnomAD 0.01578 and 0.01710; 1000 Genomes Project 0.01637; 1000 Genomes Project 30x 0.01765; TOPMed 0.01834.
gnomAD v4.1: 2,389 of 158,750 alleles (1.5%); highest among the groups gnomAD compares: African/African-American, 5.5%; 72 homozygotes.

Submission:

Illumina Laboratory Services, Illumina
Classification: Benign for Bardet-Biedl syndrome 9. Last evaluated: 2018-01-12. Review status: criteria provided, single submitter. Criteria: ICSL Variant Classification Criteria 13 December 2019. Collection method: clinical testing. Allele origin: germline.
Comment: This variant was observed in the ICSL laboratory as part of a predisposition screen in an ostensibly healthy population. It had not been previously curated by ICSL or reported in the Human Gene Mutation Database (HGMD: prior to June 1st, 2018), and was therefore a candidate for classification through an automated scoring system. Utilizing variant allele frequency, disease prevalence and penetrance estimates, and inheritance mode, an automated score was calculated to assess if this variant is too frequent to cause the disease. Based on the score and internal cut-off values, a variant classified as benign is not then subjected to further curation. The score for this variant resulted in a classification of benign for this disease.

NM_198428.3(BBS9):c.*549A>G

Gene: BBS9 (Bardet-Biedl syndrome 9; plus strand). Cytogenetic location: 7p14.3.
Variant type: single nucleotide variant.
Coding change: c.*549A>G on transcript NM_198428.3 (MANE Select); 549 bases downstream of the stop codon, A replaced by G.
Molecular consequence: 3 prime UTR variant. On other transcripts: non-coding transcript variant (3), intron variant (2).
Genome position (GRCh38, 1-based): chr7:33,605,775, A>G. VCF-style: chr7-33605775-A-G. GRCh37 (hg19) VCF-style: chr7-33645387-A-G.
Other names: c.*549A>G (NM_001033604.2, NM_001033605.2, NM_001348036.1 and 10 more transcripts); c.2522-29402A>G (NM_001362679.1); c.2632+800A>G (NM_001348041.4).
Identifiers: ClinVar variation 360081 (VCV000360081.5), dbSNP rs73690947, ClinGen allele CA10628976.
Genomic context (GRCh38, chr7:33,605,775, plus strand): 5'-AGACTTTGCTACTCTCTGGTAAGACTTGAATGTGATTATTTTATAAATAAAAGAACCACT[A>G]TGAAACTTTCATGTGATTTGTTCTATTAAGCTAAACGTGGAAGAAGGGAAGTTTTCTAGT-3'